The following is an entry in ClinVar:

NM_005245.4(FAT1):c.8815A>G (p.Ile2939Val)

Genes: FAT1 (FAT atypical cadherin 1; minus strand), LOC126807255 (BRD4-independent group 4 enhancer GRCh37_chr4:187538202-187539401; plus strand). Cytogenetic location: 4q35.2.
Variant type: single nucleotide variant.
Coding change: c.8815A>G on transcript NM_005245.4 (MANE Select); coding-DNA position 8815, A replaced by G.
Protein change: p.Ile2939Val; replaces isoleucine 2939 with valine.
Molecular consequence: missense variant.
Genome position (GRCh38, 1-based): chr4:186,617,771, T>C on the plus strand (A>G on the coding strand, the complement: FAT1 is on the minus strand). VCF-style: chr4-186617771-T-C. GRCh37 (hg19) VCF-style: chr4-187538925-T-C.
Other names: c.8815A>G (NM_005245.3); short protein forms I2939V.
Identifiers: ClinVar variation 1923017 (VCV001923017.6), dbSNP rs777268251, ClinGen allele CA3165816.
Genomic context (GRCh38, chr4:186,617,771, plus strand): 5'-TTATGAAATATGTAACTTGTCTGTTGATCTCTTCAGAATCAGCATCCGTGGTACTTAAGA[T>C]GGCAATCACCCCACCTTGGGGGTCATCCTCACTCACAGTCCCTTTATAGATCTCGGCCGT-3'
Protein context (NP_005236.2, residues 2929-2949): EDDPQGGVIA[Ile2939Val]LSTTDADSEE

ClinVar aggregate classification (germline): Uncertain significance. Review status: criteria provided, multiple submitters, no conflicts (2 of 4 stars). 2 submissions from 2 submitters: Uncertain significance (2). Last evaluated 2025-03-17.

Conditions:
Inborn genetic diseases. Identifiers: MedGen C0950123, MeSH D030342.

Allele frequency attached by ClinVar (database versions not stated): TOPMed below 0.00001; gnomAD 0.00001; gnomAD exomes 0.00001; ExAC 0.00003.
gnomAD v4.1: 11 of 1,613,296 alleles (0.00068%); highest among the groups gnomAD compares: East Asian, 0.016%; no homozygotes.

Submissions (2):

Ambry Genetics
Classification: Uncertain significance for Inborn genetic diseases. Last evaluated: 2025-03-17. Review status: criteria provided, single submitter. Criteria: Ambry Variant Classification Scheme 2023. Collection method: clinical testing. Allele origin: germline.

Labcorp Genetics (formerly Invitae), Labcorp
Classification: Uncertain significance. Last evaluated: 2022-06-28. Review status: criteria provided, single submitter. Criteria: Invitae Variant Classification Sherloc (09022015). Collection method: clinical testing. Allele origin: germline.
Comment: This sequence change replaces isoleucine, which is neutral and non-polar, with valine, which is neutral and non-polar, at codon 2939 of the FAT1 protein (p.Ile2939Val). This variant is present in population databases (rs777268251, gnomAD 0.03%). This variant has not been reported in the literature in individuals affected with FAT1-related conditions. Algorithms developed to predict the effect of missense changes on protein structure and function (SIFT, PolyPhen-2, Align-GVGD) all suggest that this variant is likely to be disruptive. In summary, the available evidence is currently insufficient to determine the role of this variant in disease. Therefore, it has been classified as a Variant of Uncertain Significance.